The following is an entry in ClinVar:

NM_000458.4(HNF1B):c.544+5G>A

Gene: HNF1B (HNF1 homeobox B; minus strand). Cytogenetic location: 17q12.
Variant type: single nucleotide variant.
Coding change: c.544+5G>A on transcript NM_000458.4 (MANE Select); 5 bases into the intron after coding-DNA position 544, G replaced by A.
Molecular consequence: intron variant.
Genome position (GRCh38, 1-based): chr17:37,739,435, C>T on the plus strand (G>A on the coding strand, the complement: HNF1B is on the minus strand). VCF-style: chr17-37739435-C-T. GRCh37 (hg19) VCF-style: chr17-36099426-C-T.
Other names: c.544+5G>A (NM_001304286.2, NM_001165923.4, NM_001411100.1).
Identifiers: ClinVar variation 2720149 (VCV002720149.6), dbSNP rs2511827891, ClinGen allele CA2697559834.

ClinVar aggregate classification (germline): Conflicting classifications of pathogenicity. Review status: criteria provided, conflicting classifications (1 of 4 stars). 4 submissions from 4 submitters: Likely pathogenic (1); Uncertain significance (3). Last evaluated 2024-05-21.

Conditions:
Type 2 diabetes mellitus. Also called: Type II diabetes mellitus. Identifiers: MedGen C0011860, MeSH D003924, MONDO:0005148, OMIM 125853, HP:0005978.
Renal cysts and diabetes syndrome (RCAD). Also called: Familial hypoplastic, glomerulocystic kidney; MATURITY-ONSET DIABETES OF THE YOUNG, TYPE 5. Identifiers: Orphanet 93111, MedGen C0431693, MONDO:0007669, OMIM 137920.
Nonpapillary renal cell carcinoma. Identifiers: Orphanet 422526, MedGen CN074294, MONDO:0007763, OMIM 144700.

Submissions (4):

Fulgent Genetics
Classification: Uncertain significance for Type 2 diabetes mellitus; Renal cysts and diabetes syndrome; Nonpapillary renal cell carcinoma. Last evaluated: 2024-05-21. Review status: criteria provided, single submitter. Criteria: ACMG Guidelines, 2015. Collection method: clinical testing. Allele origin: germline.

GeneDx
Classification: Likely pathogenic. Last evaluated: 2024-05-09. Review status: criteria provided, single submitter. Criteria: GeneDx Variant Classification Process June 2021. Collection method: clinical testing. Allele origin: germline. Affected: yes.
Comment: Intronic variant directly or indirectly altering the +5 splice site in a gene for which loss of function is a known mechanism of disease, and splice predictors support a deleterious effect; Not observed at significant frequency in large population cohorts (gnomAD); Has not been previously published as pathogenic or benign to our knowledge

Labcorp Genetics (formerly Invitae), Labcorp
Classification: Uncertain significance. Last evaluated: 2023-06-20. Review status: criteria provided, single submitter. Criteria: Invitae Variant Classification Sherloc (09022015). Collection method: clinical testing. Allele origin: germline.
Comment: This sequence change falls in intron 2 of the HNF1B gene. It does not directly change the encoded amino acid sequence of the HNF1B protein. It affects a nucleotide within the consensus splice site. In summary, the available evidence is currently insufficient to determine the role of this variant in disease. Therefore, it has been classified as a Variant of Uncertain Significance. This variant has not been reported in the literature in individuals affected with HNF1B-related conditions. Variants that disrupt the consensus splice site are a relatively common cause of aberrant splicing (PMID: 17576681, 9536098). Algorithms developed to predict the effect of sequence changes on RNA splicing suggest that this variant may disrupt the consensus splice site. This variant is not present in population databases (gnomAD no frequency).

Blueprint Genetics
Classification: Uncertain significance. Last evaluated: 2020-12-22. Review status: criteria provided, single submitter. Criteria: ACMG Guidelines, 2015. Collection method: clinical testing. Allele origin: germline.

Literature cited by the submitters: PubMed 17576681 (cited by Labcorp Genetics (formerly Invitae), Labcorp); PubMed 9536098 (cited by Labcorp Genetics (formerly Invitae), Labcorp).